The following is an entry in ClinVar:

NM_000137.4(FAH):c.782C>T (p.Pro261Leu)

Gene: FAH (fumarylacetoacetate hydrolase; plus strand). Cytogenetic location: 15q25.1.
Variant type: single nucleotide variant.
Coding change: c.782C>T on transcript NM_000137.4 (MANE Select); coding-DNA position 782, C replaced by T.
Protein change: p.Pro261Leu; replaces proline 261 with leucine.
Molecular consequence: missense variant.
Genome position (GRCh38, 1-based): chr15:80,173,089, C>T. VCF-style: chr15-80173089-C-T. GRCh37 (hg19) VCF-style: chr15-80465431-C-T.
Other names: c.782C>T, p.Pro261Leu (NM_001374377.1, NM_001374380.1); c.782C>T (NM_000137.3); short protein forms P261L.
Identifiers: ClinVar variation 21058 (VCV000021058.81), dbSNP rs80338898, ClinGen allele CA233969.
Genomic context (GRCh38, chr15:80,173,089, plus strand): 5'-AGTGGGAGTATGTCCCTCTCGGGCCATTCCTTGGGAAGAGTTTTGGGACCACTGTCTCTC[C>T]GTGGGTGGTGCCCATGGATGCTCTCATGCCCTTTGCTGTGCCCAACCCGAAGCAGGTAAG-3'
Protein context (NP_000128.1, residues 251-271): LGKSFGTTVS[Pro261Leu]WVVPMDALMP

ClinVar aggregate classification (germline): Pathogenic/Likely pathogenic. Review status: criteria provided, multiple submitters, no conflicts (2 of 4 stars). 20 submissions from 19 submitters: Pathogenic (15); Likely pathogenic (3). 2 of the submissions do not count toward it. Last evaluated 2026-08-28.

Conditions:
Fetal anomalies with a likely genetic cause.
FAH-related disorders.
FAH-related disorder. Also called: FAH-related condition.
Tyrosinemia type I (TYRSN1). Also called: HEPATORENAL TYROSINEMIA; Tyrosinemia type 1; Fumarylacetoacetase deficiency; Deficiency of fumarylacetoacetase; FAH DEFICIENCY. Identifiers: Orphanet 882, MedGen C0268490, MONDO:0010161, OMIM 276700. Disease mechanism: loss of function.

Allele frequency attached by ClinVar (database versions not stated): gnomAD 0.00006 and 0.00007; ESP Exome Variant Server 0.00008; ExAC 0.00013; TOPMed 0.00015; gnomAD exomes 0.00017.
gnomAD v4.1: 155 of 1,614,094 alleles (0.0096%); highest among the groups gnomAD compares: African/African-American, 0.0053%; no homozygotes.

Submissions 1 to 14 of 20:

Genetics Laboratory, Great Ormond Street Hospital NHS Foundation Trust, North Thames Genomic Laboratory Hub
Classification: Pathogenic for Fetal anomalies with a likely genetic cause. Last evaluated: 2026-08-28. Review status: criteria provided, single submitter. Criteria: ACGS Best Practice Guidelines for Variant Classification in Rare Disease 2024 v1.2. Collection method: clinical testing. Allele origin: germline. Affected: yes.
Comment: PM2_moderate, PP3_supporting, PS3_supporting, PM3_very-strong

PreventionGenetics, part of Exact Sciences
Classification: Pathogenic for FAH-related condition. Last evaluated: 2026-04-13. Review status: criteria provided, single submitter. Criteria: ACMG Guidelines, 2015. Collection method: clinical testing. Allele origin: germline.
Comment: The FAH c.782C>T variant is predicted to result in the amino acid substitution p.Pro261Leu. This variant has previously been reported to be causative for autosomal recessive tyrosinemia type 1. It is one of the most common pathogenic variants in this gene, and functional studies support its pathogenicity (Bergman et al. 1998. PubMed ID: 9633815; Elpeleg et al. 2002. PubMed ID: 11754109; Angileri et al. 2015. PubMed ID: 25681080; Macias et al. 2019. PubMed ID: 31300554; OMIM #276700). This variant is reported in 0.37% of alleles in individuals of Ashkenazi Jewish descent in gnomAD. This variant is interpreted as pathogenic.

Labcorp Genetics (formerly Invitae), Labcorp
Classification: Pathogenic for Tyrosinemia type I. Last evaluated: 2026-01-24. Review status: criteria provided, single submitter. Criteria: Invitae Variant Classification Sherloc (09022015). Collection method: clinical testing. Allele origin: germline.
Comment: This sequence change replaces proline, which is neutral and non-polar, with leucine, which is neutral and non-polar, at codon 261 of the FAH protein (p.Pro261Leu). This variant is present in population databases (rs80338898, gnomAD 0.4%). This missense change has been observed in individual(s) with tyrosinemia type 1 (PMID: 9633815, 11754109, 21764616, 31998365, 35800472). It has also been observed to segregate with disease in related individuals. ClinVar contains an entry for this variant (Variation ID: 21058). Invitae Evidence Modeling of protein sequence and biophysical properties (such as structural, functional, and spatial information, amino acid conservation, physicochemical variation, residue mobility, and thermodynamic stability) indicates that this missense variant is expected to disrupt FAH protein function with a positive predictive value of 80%. For these reasons, this variant has been classified as Pathogenic.

Natera, Inc.
Classification: Pathogenic for Tyrosinemia type I. Last evaluated: 2025-09-19. Review status: criteria provided, single submitter. Criteria: Natera Variant Classification Schema (03/2026). Collection method: clinical testing. Allele origin: germline.
Comment: The c.782C>T variant in FAH is a missense variant predicted to cause substitution of proline to leucine at amino acid 261. The frequency of this variant in the general population is greater than expected for disorder. This variant has been observed in one or more individuals affected with the associated recessive disease, as either homozygous or compound heterozygous with a second variant (PMID: 21764616, 33882394). Computational prediction algorithms indicate this variant is likely to affect gene or protein function. Given the available evidence, this variant is classified as Pathogenic.

Variantyx, Inc.
Classification: Pathogenic for Tyrosinemia type I. Last evaluated: 2025-03-11. Review status: criteria provided, single submitter. Criteria: Variantyx Assertion Criteria 2022. Collection method: clinical testing. Allele origin: paternal.
Comment: This is a nonsynonymous variant in the FAH gene (OMIM: 613871). Pathogenic variants in this gene have been associated with autosomal recessive tyrosinemia, type I. This variant has been reported in the homozygous or compound heterozygous state in many unrelated affected individuals (PMID: 9633815, 11754109, 21764616), or previous internal cases (PM3_Very_Strong). Functional studies have shown that this variant alters FAH protein function (PMID: 31300554) (PS3_Supporting). Multiple computational algorithms predict a deleterious effect for this variant (REVEL score: 0.942) (PP3). This variant has a 0.0053% maximum allele frequency in non-founder control populations (PM2_Supporting). Based on the current evidence, this variant is classified as pathogenic for autosomal recessive tyrosinemia, type I.

3billion
Classification: Pathogenic for Tyrosinemia type I. Last evaluated: 2025-03-07. Review status: criteria provided, single submitter. Criteria: ACMG Guidelines, 2015. Collection method: clinical testing. Allele origin: germline. Affected: yes.
Comment: The variant is observed at an extremely low frequency in the gnomAD v4.1.0 dataset (total allele frequency: 0.010%). Predicted Consequence/Location: Missense variant The variant was homozygous. In silico tool predictions suggest damaging effect of the variant on gene or gene product [REVEL: 0.94 (>=0.6, sensitivity 0.68 and specificity 0.92); 3Cnet: 0.93 (> 0.75, sensitivity 0.96 and precision 0.92)]. The same nucleotide change resulting in the same amino acid change has been previously reported as pathogenic/likely pathogenic with strong evidence (ClinVar ID: VCV000021058 / PMID: 9633815). The variant has been observed in multiple (>3) similarly affected unrelated individuals (PMID: 11754109, 21764616). Therefore, this variant is classified as Pathogenic according to the recommendation of ACMG/AMP guideline.

Genetics and Genomic Medicine Centre, NeuroGen Healthcare, NeuroGen Healthcare
Classification: Pathogenic for Tyrosinemia type I. Last evaluated: 2024-12-21. Review status: criteria provided, single submitter. Criteria: ACMG Guidelines, 2015. Collection method: clinical testing. Allele origin: unknown. Affected: yes.

Blueprint Genetics
Classification: Pathogenic for FAH-related disorders. Last evaluated: 2024-11-25. Review status: criteria provided, single submitter. Criteria: ACMG Guidelines, 2015. Collection method: clinical testing. Allele origin: germline. Affected: yes. Observed: 5 variant alleles.

Fulgent Genetics
Classification: Pathogenic for Tyrosinemia type I. Last evaluated: 2024-05-29. Review status: criteria provided, single submitter. Criteria: ACMG Guidelines, 2015. Collection method: clinical testing. Allele origin: germline.

Genomic Medicine Center of Excellence, King Faisal Specialist Hospital and Research Centre
Classification: Pathogenic for Tyrosinemia type I. Last evaluated: 2024-03-17. Review status: criteria provided, single submitter. Criteria: ACMG Guidelines, 2015. Collection method: research. Allele origin: germline.

Department of Pathology and Laboratory Medicine, Sinai Health System
Classification: Pathogenic for Tyrosinemia type I. Last evaluated: 2023-03-09. Review status: criteria provided, single submitter. Criteria: ACMG Guidelines, 2015. Collection method: research. Allele origin: germline.

Illumina Laboratory Services, Illumina
Classification: Pathogenic. Last evaluated: 2022-11-16. Review status: criteria provided, single submitter. Criteria: ICSL CNVClassificationCriteria Aug2020. Collection method: clinical testing. Allele origin: unknown. Affected: yes.
Comment: The FAH c.782C>T (p.Pro261Leu) missense variant results in the substitution of proline at amino acid position 261 with leucine and is one of the common pathogenic variant in this gene (PMID: 20301688). Across a selection of the available literature, this variant has been identified in at least eleven individuals with tyrosinemia type 1, all in a homozygous state (PMID: 9633815; PMID: 11754109; PMID: 21764616). The highest frequency of this allele in the Genome Aggregation Database is 0.003664 in the Ashkenazi Jewish population (version 2.1.1). The variant accounts for more than 99% of the pathogenic variants in this population (PMID: 20301688). Site-directed mutagenesis, enzymatic assays, and molecular dynamics simulations with the variant protein revealed that the p.Pro261Leu variant protein results in destabilized protein with <10% of enzymatic activity compared to wild-type FAH (PMID: 31300554). Multiple lines of computational evidence suggest the variant may have a deleterious effect on the gene or gene product. Based on the available evidence, the c.782C>T (p.Pro261Leu) variant is classified as pathogenic for tyrosinemia type 1.

Revvity Omics, Revvity
Classification: Likely pathogenic for Tyrosinemia type I. Last evaluated: 2022-10-13. Review status: criteria provided, single submitter. Criteria: ACMG Guidelines, 2015. Collection method: clinical testing. Allele origin: germline.

GeneDx
Classification: Pathogenic. Last evaluated: 2021-05-07. Review status: criteria provided, single submitter. Criteria: GeneDx Variant Classification Process June 2021. Collection method: clinical testing. Allele origin: germline. Affected: yes.
Comment: Functional studies found that this variant is associated with approximately 8% residual enzyme activity compared to wild-type and results in destabilization of the enzyme (Macias et al., 2019); In silico analysis supports that this missense variant has a deleterious effect on protein structure/function; This variant is associated with the following publications: (PMID: 25681080, 9633815, 11754109, 25087612, 27415407, 22975760, 21764616, 30414057, 31300554, 29625052, 31130284, 31998365, 31980526, 15187789, 31589614)